The following is an entry in ClinVar:

NM_014264.5(PLK4):c.2018A>G (p.Tyr673Cys)

Gene: PLK4 (polo like kinase 4; plus strand). Cytogenetic location: 4q28.1.
Variant type: single nucleotide variant.
Coding change: c.2018A>G on transcript NM_014264.5 (MANE Select); coding-DNA position 2018, A replaced by G.
Protein change: p.Tyr673Cys; replaces tyrosine 673 with cysteine.
Molecular consequence: missense variant.
Genome position (GRCh38, 1-based): chr4:127,891,661, A>G. VCF-style: chr4-127891661-A-G. GRCh37 (hg19) VCF-style: chr4-128812816-A-G.
Other names: c.1922A>G, p.Tyr641Cys (NM_001190799.2); c.1895A>G, p.Tyr632Cys (NM_001190801.2); short protein forms Y641C, Y673C, Y632C.
Identifiers: ClinVar variation 1429984 (VCV001429984.8), dbSNP rs2148821918, ClinGen allele CA358158693.

ClinVar aggregate classification (germline): Uncertain significance (1 of 4 stars; one submission).

gnomAD v4.1: 1 of 1,468,386 alleles (0.000068%); highest among the groups gnomAD compares: Middle Eastern, 0.018%; no homozygotes.

Submission:

Labcorp Genetics (formerly Invitae), Labcorp
Classification: Uncertain significance. Last evaluated: 2022-09-27. Review status: criteria provided, single submitter. Criteria: Invitae Variant Classification Sherloc (09022015). Collection method: clinical testing. Allele origin: germline.
Comment: This variant has not been reported in the literature in individuals affected with PLK4-related conditions. In summary, the available evidence is currently insufficient to determine the role of this variant in disease. Therefore, it has been classified as a Variant of Uncertain Significance. Algorithms developed to predict the effect of missense changes on protein structure and function are either unavailable or do not agree on the potential impact of this missense change (SIFT: "Tolerated"; PolyPhen-2: "Probably Damaging"; Align-GVGD: "Class C0"). ClinVar contains an entry for this variant (Variation ID: 1429984). This variant is not present in population databases (gnomAD no frequency). This sequence change replaces tyrosine, which is neutral and polar, with cysteine, which is neutral and slightly polar, at codon 673 of the PLK4 protein (p.Tyr673Cys).